The following is an entry in ClinVar:

NM_001128840.3(CACNA1D):c.307G>A (p.Ala103Thr)

Gene: CACNA1D (calcium voltage-gated channel subunit alpha1 D; plus strand). Cytogenetic location: 3p21.1.
Variant type: single nucleotide variant.
Coding change: c.307G>A on transcript NM_001128840.3 (MANE Select); coding-DNA position 307, G replaced by A.
Protein change: p.Ala103Thr; replaces alanine 103 with threonine.
Molecular consequence: missense variant.
Genome position (GRCh38, 1-based): chr3:53,497,391, G>A. VCF-style: chr3-53497391-G-A. GRCh37 (hg19) VCF-style: chr3-53531418-G-A.
Other names: c.307G>A, p.Ala103Thr (NM_000720.4, NM_001128839.3); short protein forms A103T.
Identifiers: ClinVar variation 2124029 (VCV002124029.4), dbSNP rs2471511194, ClinGen allele CA353382189.

ClinVar aggregate classification (germline): Uncertain significance (1 of 4 stars; one submission).

Submission:

Labcorp Genetics (formerly Invitae), Labcorp
Classification: Uncertain significance. Last evaluated: 2023-10-03. Review status: criteria provided, single submitter. Criteria: Invitae Variant Classification Sherloc (09022015). Collection method: clinical testing. Allele origin: germline.
Comment: This sequence change replaces alanine, which is neutral and non-polar, with threonine, which is neutral and polar, at codon 103 of the CACNA1D protein (p.Ala103Thr). This variant is not present in population databases (gnomAD no frequency). This variant has not been reported in the literature in individuals affected with CACNA1D-related conditions. ClinVar contains an entry for this variant (Variation ID: 2124029). Advanced modeling of protein sequence and biophysical properties (such as structural, functional, and spatial information, amino acid conservation, physicochemical variation, residue mobility, and thermodynamic stability) performed at Invitae indicates that this missense variant is not expected to disrupt CACNA1D protein function. In summary, the available evidence is currently insufficient to determine the role of this variant in disease. Therefore, it has been classified as a Variant of Uncertain Significance.